The following is an entry in ClinVar:

NM_000540.3(RYR1):c.7663T>G (p.Cys2555Gly)

Gene: RYR1 (ryanodine receptor 1; plus strand). Cytogenetic location: 19q13.2.
Variant type: single nucleotide variant.
Coding change: c.7663T>G on transcript NM_000540.3 (MANE Select); coding-DNA position 7663, T replaced by G.
Protein change: p.Cys2555Gly; replaces cysteine 2555 with glycine.
Molecular consequence: missense variant.
Genome position (GRCh38, 1-based): chr19:38,502,555, T>G. VCF-style: chr19-38502555-T-G. GRCh37 (hg19) VCF-style: chr19-38993195-T-G.
Other names: c.7663T>G, p.Cys2555Gly (NM_001042723.2); short protein forms C2555G.
Identifiers: ClinVar variation 863285 (VCV000863285.1), dbSNP rs1600831610, ClinGen allele CA405671533.

ClinVar aggregate classification (germline): Uncertain significance (1 of 4 stars; one submission).

Conditions:
RYR1-related disorder. Also called: RYR1-related disorders; RYR1-related condition. Identifiers: MedGen CN239331.

Submission:

Labcorp Genetics (formerly Invitae), Labcorp
Classification: Uncertain significance for RYR1-Related Disorders. Last evaluated: 2019-03-07. Review status: criteria provided, single submitter. Criteria: Invitae Variant Classification Sherloc (09022015). Collection method: clinical testing. Allele origin: germline.
Comment: This sequence change replaces cysteine with glycine at codon 2555 of the RYR1 protein (p.Cys2555Gly). The cysteine residue is highly conserved and there is a large physicochemical difference between cysteine and glycine. This variant is not present in population databases (ExAC no frequency). This variant has not been reported in the literature in individuals with RYR1-related conditions. Algorithms developed to predict the effect of missense changes on protein structure and function are either unavailable or do not agree on the potential impact of this missense change (SIFT: "Deleterious"; PolyPhen-2: "Benign"; Align-GVGD: "Class C0"). In summary, the available evidence is currently insufficient to determine the role of this variant in disease. Therefore, it has been classified as a Variant of Uncertain Significance.